The following is an entry in ClinVar:

ClinVar aggregate classification (germline): Likely benign. Review status: criteria provided, multiple submitters, no conflicts (2 of 4 stars). 2 submissions from 2 submitters: Likely benign (2). Last evaluated 2025-05-09.

Allele frequency attached by ClinVar (database versions not stated): gnomAD 0.00001; TOPMed 0.00002.

Submissions (2):

Athena Diagnostics
Classification: Likely benign. Last evaluated: 2025-05-09. Review status: criteria provided, single submitter. Criteria: Athena Diagnostics Criteria. Collection method: clinical testing. Allele origin: unknown.
Comment: Computational tools yielded predictions that this variant is unlikely to have an effect on normal RNA splicing. This nucleotide position exhibits low evolutionary conservation.

Labcorp Genetics (formerly Invitae), Labcorp
Classification: Likely benign. Last evaluated: 2024-03-04. Review status: criteria provided, single submitter. Criteria: Invitae Variant Classification Sherloc (09022015). Collection method: clinical testing. Allele origin: germline.

NM_207346.3(TSEN54):c.288C>T (p.Gly96=)

Gene: TSEN54 (tRNA splicing endonuclease subunit 54; plus strand). Cytogenetic location: 17q25.1.
Variant type: single nucleotide variant.
Coding change: c.288C>T on transcript NM_207346.3 (MANE Select); coding-DNA position 288, C replaced by T.
Protein change: p.Gly96=; no amino-acid change (glycine 96 retained).
Molecular consequence: synonymous variant.
Genome position (GRCh38, 1-based): chr17:75,517,163, C>T. VCF-style: chr17-75517163-C-T. GRCh37 (hg19) VCF-style: chr17-73513244-C-T.
Other names: c.288C>T (NM_207346.2).
Identifiers: ClinVar variation 1970381 (VCV001970381.6), dbSNP rs1474408434, ClinGen allele CA502045738.